The following is an entry in ClinVar:

ClinVar aggregate classification (germline): Uncertain significance (1 of 4 stars; one submission).

Conditions:
Familial cancer of breast. Also called: hereditary breast carcinoma; BREAST CANCER, FAMILIAL; Hereditary breast cancer. Identifiers: Orphanet 227535, MedGen C0346153, MONDO:0016419, OMIM 114480. Disease mechanism: loss of function.
Fanconi anemia complementation group J. Also called: BRIP1-Related Fanconi Anemia. Identifiers: Orphanet 84, MedGen C1836860, MONDO:0012187, OMIM 609054.

Submission:

Labcorp Genetics (formerly Invitae), Labcorp
Classification: Uncertain significance for Familial cancer of breast; Fanconi anemia complementation group J. Last evaluated: 2020-12-10. Review status: criteria provided, single submitter. Criteria: Invitae Variant Classification Sherloc (09022015). Collection method: clinical testing. Allele origin: germline.
Comment: In summary, the available evidence is currently insufficient to determine the role of this variant in disease. Therefore, it has been classified as a Variant of Uncertain Significance. This variant has not been reported in the literature in individuals with BRIP1-related conditions. This variant is not present in population databases (ExAC no frequency). Algorithms developed to predict the effect of missense changes on protein structure and function are either unavailable or do not agree on the potential impact of this missense change (SIFT: "Deleterious"; PolyPhen-2: "Probably Damaging"; Align-GVGD: "Class C0"). This sequence change replaces tyrosine with serine at codon 548 of the BRIP1 protein (p.Tyr548Ser). The tyrosine residue is highly conserved and there is a large physicochemical difference between tyrosine and serine.

NM_032043.3(BRIP1):c.1643A>C (p.Tyr548Ser)

Gene: BRIP1 (BRCA1 interacting DNA helicase 1; minus strand). Cytogenetic location: 17q23.2.
Variant type: single nucleotide variant.
Coding change: c.1643A>C on transcript NM_032043.3 (MANE Select); coding-DNA position 1643, A replaced by C.
Protein change: p.Tyr548Ser; replaces tyrosine 548 with serine.
Molecular consequence: missense variant.
Genome position (GRCh38, 1-based): chr17:61,780,991, T>G on the plus strand (A>C on the coding strand, the complement: BRIP1 is on the minus strand). VCF-style: chr17-61780991-T-G. GRCh37 (hg19) VCF-style: chr17-59858352-T-G.
Other names: short protein forms Y548S.
Identifiers: ClinVar variation 1008175 (VCV001008175.9), dbSNP rs587782405, ClinGen allele CA400480560.